The following is an entry in ClinVar:

ClinVar aggregate classification (germline): Uncertain significance (1 of 4 stars; one submission).

Conditions:
Familial thoracic aortic aneurysm and aortic dissection (TAAD). Also called: Thoracic aortic aneurysms and dissections. Identifiers: Orphanet 91387, MedGen C4707243, MONDO:0019625.

Submission:

Color Diagnostics, LLC DBA Color Health
Classification: Uncertain significance for Familial thoracic aortic aneurysm and aortic dissection. Last evaluated: 2025-06-23. Review status: criteria provided, single submitter. Criteria: ACMG Guidelines, 2015. Collection method: clinical testing. Allele origin: germline.
Comment: This missense variant replaces asparagine with aspartic acid at codon 490 of the TGFBR2 protein. Computational prediction suggests that this variant may not impact protein structure and function. To our knowledge, functional studies have not been reported for this variant. This variant has not been reported in individuals affected with TGFBR2-related disorders in the literature. This variant has not been identified in the general population by the Genome Aggregation Database (gnomAD). The available evidence is insufficient to determine the role of this variant in disease conclusively. Therefore, this variant is classified as a Variant of Uncertain Significance.

NM_003242.6(TGFBR2):c.1468A>G (p.Asn490Asp)

Gene: TGFBR2 (transforming growth factor beta receptor 2; plus strand). Cytogenetic location: 3p24.1.
Variant type: single nucleotide variant.
Coding change: c.1468A>G on transcript NM_003242.6 (MANE Select); coding-DNA position 1468, A replaced by G.
Protein change: p.Asn490Asp; replaces asparagine 490 with aspartic acid.
Molecular consequence: missense variant.
Genome position (GRCh38, 1-based): chr3:30,688,455, A>G. VCF-style: chr3-30688455-A-G. GRCh37 (hg19) VCF-style: chr3-30729947-A-G.
Other names: c.1543A>G, p.Asn515Asp (NM_001024847.3); c.1651A>G, p.Asn551Asp (NM_001407126.1); c.1576A>G, p.Asn526Asp (NM_001407127.1); c.1495A>G, p.Asn499Asp (NM_001407128.1); c.1471A>G, p.Asn491Asp (NM_001407129.1); c.1465A>G, p.Asn489Asp (NM_001407130.1); c.1363A>G, p.Asn455Asp (NM_001407132.1, NM_001407133.1, NM_001407134.1 and 2 more transcripts); c.1183A>G, p.Asn395Asp (NM_001407137.1); and 2 more; short protein forms N200D, N370D, N395D, N455D, N489D, N490D, N491D, N499D.
Identifiers: ClinVar variation 4758370 (VCV004758370.1).
Genomic context (GRCh38, chr3:30,688,455, plus strand): 5'-TATGAGCCTCCATTTGGTTCCAAGGTGCGGGAGCACCCCTGTGTCGAAAGCATGAAGGAC[A>G]ACGTGTTGAGAGATCGAGGGCGACCAGAAATTCCCAGCTTCTGGCTCAACCACCAGGTAA-3'
Protein context (NP_003233.4, residues 480-500): EHPCVESMKD[Asn490Asp]VLRDRGRPEI